The following is an entry in ClinVar:

NM_001267550.2(TTN):c.67122C>G (p.Thr22374=)

Genes: TTN (titin; minus strand), TTN-AS1 (TTN antisense RNA 1; plus strand). Cytogenetic location: 2q31.2.
Variant type: single nucleotide variant.
Coding change: c.67122C>G on transcript NM_001267550.2 (MANE Select); coding-DNA position 67122, C replaced by G.
Protein change: p.Thr22374=; no amino-acid change (threonine 22374 retained).
Molecular consequence: synonymous variant.
Genome position (GRCh38, 1-based): chr2:178,580,165, G>C on the plus strand (C>G on the coding strand, the complement: TTN is on the minus strand). VCF-style: chr2-178580165-G-C. GRCh37 (hg19) VCF-style: chr2-179444892-G-C.
Other names: c.62199C>G, p.Thr20733= (NM_001256850.1); c.39927C>G, p.Thr13309= (NM_003319.4); c.59418C>G, p.Thr19806= (NM_133378.4); c.40302C>G, p.Thr13434= (NM_133432.3); c.40503C>G, p.Thr13501= (NM_133437.4).
Identifiers: ClinVar variation 5037781 (VCV005037781.1).

ClinVar aggregate classification (germline): Likely benign (1 of 4 stars; one submission).

gnomAD v4.1: 1 of 1,613,252 alleles (0.000062%); highest among the groups gnomAD compares: Non-Finnish European, 0.000085%; no homozygotes.

Submission:

Molecular Diagnostic Laboratory for Inherited Cardiovascular Disease, Montreal Heart Institute
Classification: Likely benign. Last evaluated: 2026-09-21. Review status: criteria provided, single submitter. Criteria: ACMG Guidelines, 2015. Collection method: clinical testing. Allele origin: germline. Affected: no.
Comment: BP7